The following is an entry in ClinVar:

ClinVar aggregate classification (germline): Uncertain significance (1 of 4 stars; one submission).

Conditions:
Progressive myoclonic epilepsy. Also called: Myoclonus epilepsy; Progressive myoclonus epilepsy; Familial progressive myoclonic epilepsy; Myoclonic Epilepsies, Progressive. Identifiers: Orphanet 308, Orphanet 98261, MedGen C0751778, MONDO:0020074.

Submission:

Labcorp Genetics (formerly Invitae), Labcorp
Classification: Uncertain significance for Progressive myoclonic epilepsy. Last evaluated: 2023-11-27. Review status: criteria provided, single submitter. Criteria: Invitae Variant Classification Sherloc (09022015). Collection method: clinical testing. Allele origin: germline.
Comment: This sequence change replaces phenylalanine, which is neutral and non-polar, with serine, which is neutral and polar, at codon 192 of the EPM2A protein (p.Phe192Ser). This variant is not present in population databases (gnomAD no frequency). This variant has not been reported in the literature in individuals affected with EPM2A-related conditions. ClinVar contains an entry for this variant (Variation ID: 1362973). Advanced modeling of protein sequence and biophysical properties (such as structural, functional, and spatial information, amino acid conservation, physicochemical variation, residue mobility, and thermodynamic stability) has been performed at Invitae for this missense variant, however the output from this modeling did not meet the statistical confidence thresholds required to predict the impact of this variant on EPM2A protein function. In summary, the available evidence is currently insufficient to determine the role of this variant in disease. Therefore, it has been classified as a Variant of Uncertain Significance.

NM_005670.4(EPM2A):c.575T>C (p.Phe192Ser)

Gene: EPM2A (EPM2A glucan phosphatase, laforin; minus strand). Cytogenetic location: 6q24.3.
Variant type: single nucleotide variant.
Coding change: c.575T>C on transcript NM_005670.4 (MANE Select); coding-DNA position 575, T replaced by C.
Protein change: p.Phe192Ser; replaces phenylalanine 192 with serine.
Molecular consequence: missense variant. On other transcripts: intron variant (1).
Genome position (GRCh38, 1-based): chr6:145,635,388, A>G on the plus strand (T>C on the coding strand, the complement: EPM2A is on the minus strand). VCF-style: chr6-145635388-A-G. GRCh37 (hg19) VCF-style: chr6-145956524-A-G.
Other names: c.575T>C, p.Phe192Ser (NM_001018041.2, NM_001368130.1); c.161T>C, p.Phe54Ser (NM_001360064.2, NM_001360071.2, NM_001368131.1); c.113T>C, p.Phe38Ser (NM_001368129.2, NM_001368132.1); c.477-7695T>C (NM_001360057.2); short protein forms F38S, F192S, F54S.
Identifiers: ClinVar variation 1362973 (VCV001362973.8), dbSNP rs2128562619, ClinGen allele CA366191387.
Genomic context (GRCh38, chr6:145,635,388, plus strand): 5'-ATGGGCTCTGGGTAGCGGTTACAGCCTGAGGAATTCTGTACAATATCCCATTCAGTCTGG[A>G]AATTCATTACAGCTGTAATCCCCAATTCATGCTTCAGTTTGATGGTTACATGTTCCACCT-3'
Protein context (NP_005661.1, residues 182-202): HELGITAVMN[Phe192Ser]QTEWDIVQNS